The following is an entry in ClinVar:

NM_000059.4(BRCA2):c.9510C>G (p.Asp3170Glu)

Gene: BRCA2 (BRCA2 DNA repair associated; plus strand). Cytogenetic location: 13q13.1.
Variant type: single nucleotide variant.
Coding change: c.9510C>G on transcript NM_000059.4 (MANE Select); coding-DNA position 9510, C replaced by G.
Protein change: p.Asp3170Glu; replaces aspartic acid 3170 with glutamic acid.
Molecular consequence: missense variant.
Genome position (GRCh38, 1-based): chr13:32,396,906, C>G. VCF-style: chr13-32396906-C-G. GRCh37 (hg19) VCF-style: chr13-32971043-C-G.
Other names: short protein forms D3170E.
Identifiers: ClinVar variation 234539 (VCV000234539.7), dbSNP rs876661072, ClinGen allele CA10577500.
Genomic context (GRCh38, chr13:32,396,906, plus strand): 5'-TAAATATGTGGGTTTGCAATTTATAAAGCAGCTTTTCCACTTATTTTCTTAGAATATTGA[C>G]ATACTTTGCAATGAAGCAGAAAACAAGCTTATGCATATACTGCATGCAAATGATCCCAAG-3'
Protein context (NP_000050.3, residues 3160-3180): NKMKNTVENI[Asp3170Glu]ILCNEAENKL

ClinVar aggregate classification (germline): Uncertain significance. Review status: criteria provided, multiple submitters, no conflicts (2 of 4 stars). 3 submissions from 3 submitters: Uncertain significance (3). Last evaluated 2023-06-19.

Conditions:
Hereditary breast ovarian cancer syndrome. Also called: Hereditary breast and ovarian cancer; Breast and ovarian cancer; BRCA1- and BRCA2-Associated Hereditary Breast and Ovarian Cancer; Hereditary breast and ovarian cancer syndrome; Hereditary breast and ovarian cancer syndrome (HBOC); Hereditary breast and/or ovarian cancer syndrome. Identifiers: Orphanet 145, MedGen C0677776, MeSH D061325, MONDO:0003582. Disease mechanism: loss of function.
Breast-ovarian cancer, familial, susceptibility to, 2 (BROVCA2). Also called: BRCA2 Hereditary Breast and Ovarian Cancer. Identifiers: Orphanet 145, MedGen C2675520, MONDO:0012933, OMIM 612555. Disease mechanism: loss of function.

Allele frequency attached by ClinVar (database versions not stated): TOPMed 0.00001.

Submissions (3):

Labcorp Genetics (formerly Invitae), Labcorp
Classification: Uncertain significance for Hereditary breast ovarian cancer syndrome. Last evaluated: 2023-06-19. Review status: criteria provided, single submitter. Criteria: Invitae Variant Classification Sherloc (09022015). Collection method: clinical testing. Allele origin: germline.
Comment: In summary, the available evidence is currently insufficient to determine the role of this variant in disease. Therefore, it has been classified as a Variant of Uncertain Significance. Advanced modeling of protein sequence and biophysical properties (such as structural, functional, and spatial information, amino acid conservation, physicochemical variation, residue mobility, and thermodynamic stability) performed at Invitae indicates that this missense variant is not expected to disrupt BRCA2 protein function. ClinVar contains an entry for this variant (Variation ID: 234539). This variant has not been reported in the literature in individuals affected with BRCA2-related conditions. This variant is not present in population databases (gnomAD no frequency). This sequence change replaces aspartic acid, which is acidic and polar, with glutamic acid, which is acidic and polar, at codon 3170 of the BRCA2 protein (p.Asp3170Glu).

Mendelics
Classification: Uncertain significance for Breast-ovarian cancer, familial, susceptibility to, 2. Last evaluated: 2019-05-28. Review status: criteria provided, single submitter. Criteria: Mendelics Assertion Criteria 2017. Collection method: clinical testing. Allele origin: unknown.

GeneDx
Classification: Uncertain significance. Last evaluated: 2015-09-28. Review status: criteria provided, single submitter. Criteria: GeneDx Variant Classification (06012015). Collection method: clinical testing. Allele origin: germline. Affected: yes.
Comment: This variant is denoted BRCA2 c.9510C>G at the cDNA level, p.Asp3170Glu (D3170E) at the protein level, and results in the change of an Aspartic Acid to a Glutamic Acid (GAC>GAG). Using alternate nomenclature, this variant would be defined as BRCA2 9738C>G. This variant has not, to our knowledge, been published in the literature as being pathogenic or benign. BRCA2 Asp3170Glu was not observed in approximately 6,500 individuals of European and African American ancestry in the NHLBI Exome Sequencing Project, indicating it is not a common benign variant in these populations. Since Aspartic Acid and Glutamic Acid share similar properties, this is considered a conservative amino acid substitution. BRCA2 Asp3170Glu occurs at a position that is not conserved and is not located in a known functional domain (Borg 2010, UniProt). In silico analyses predict that this variant is unlikely to alter protein structure or function. Based on currently available evidence, it is unclear whether BRCA2 Asp3170Glu is pathogenic or benign. We consider it to be a variant of uncertain significance.